The following is an entry in ClinVar:

NM_006059.4(LAMC3):c.2248G>A (p.Asp750Asn)

Gene: LAMC3 (laminin subunit gamma 3; plus strand). Cytogenetic location: 9q34.12.
Variant type: single nucleotide variant.
Coding change: c.2248G>A on transcript NM_006059.4 (MANE Select); coding-DNA position 2248, G replaced by A.
Protein change: p.Asp750Asn; replaces aspartic acid 750 with asparagine.
Molecular consequence: missense variant.
Genome position (GRCh38, 1-based): chr9:131,061,124, G>A. VCF-style: chr9-131061124-G-A. GRCh37 (hg19) VCF-style: chr9-133936511-G-A.
Other names: short protein forms D750N.
Identifiers: ClinVar variation 1913081 (VCV001913081.2), dbSNP rs968463433, ClinGen allele CA200710976.

ClinVar aggregate classification (germline): Uncertain significance (1 of 4 stars; one submission).

Allele frequency attached by ClinVar (database versions not stated): gnomAD 0.00001; gnomAD exomes 0.00001; TOPMed 0.00002.
gnomAD v4.1: 20 of 1,613,650 alleles (0.0012%); highest among the groups gnomAD compares: Admixed American, 0.0017%; no homozygotes.

Submission:

Labcorp Genetics (formerly Invitae), Labcorp
Classification: Uncertain significance. Last evaluated: 2022-07-12. Review status: criteria provided, single submitter. Criteria: Invitae Variant Classification Sherloc (09022015). Collection method: clinical testing. Allele origin: germline.
Comment: This sequence change replaces aspartic acid, which is acidic and polar, with asparagine, which is neutral and polar, at codon 750 of the LAMC3 protein (p.Asp750Asn). This variant is present in population databases (no rsID available, gnomAD 0.003%). This variant has not been reported in the literature in individuals affected with LAMC3-related conditions. Algorithms developed to predict the effect of missense changes on protein structure and function output the following: SIFT: "Tolerated"; PolyPhen-2: "Benign"; Align-GVGD: "Class C0". The asparagine amino acid residue is found in multiple mammalian species, which suggests that this missense change does not adversely affect protein function. In summary, the available evidence is currently insufficient to determine the role of this variant in disease. Therefore, it has been classified as a Variant of Uncertain Significance.